The following is an entry in ClinVar:

NM_138775.3(ALKBH8):c.720T>C (p.Asp240=)

Gene: ALKBH8 (alkB homolog 8, tRNA methyltransferase; minus strand). Cytogenetic location: 11q22.3.
Variant type: single nucleotide variant.
Coding change: c.720T>C on transcript NM_138775.3 (MANE Select); coding-DNA position 720, T replaced by C.
Protein change: p.Asp240=; no amino-acid change (aspartic acid 240 retained).
Molecular consequence: synonymous variant.
Genome position (GRCh38, 1-based): chr11:107,549,804, A>G on the plus strand (T>C on the coding strand, the complement: ALKBH8 is on the minus strand). VCF-style: chr11-107549804-A-G. GRCh37 (hg19) VCF-style: chr11-107420530-A-G.
Other names: c.729T>C (NM_001301010.1); c.720T>C, p.Asp240= (NM_001301010.3, NM_001378133.1).
Identifiers: ClinVar variation 1188922 (VCV001188922.7), dbSNP rs645056, ClinGen allele CA6261148.

ClinVar aggregate classification (germline): Benign. Review status: criteria provided, multiple submitters, no conflicts (2 of 4 stars). 4 submissions from 4 submitters: Benign (3). 1 of the submissions does not count toward it. Last evaluated 2024-11-27.

Conditions:
Intellectual developmental disorder, autosomal recessive 71. Also called: MENTAL RETARDATION, AUTOSOMAL RECESSIVE 71. Identifiers: MedGen C5193133, MONDO:0032789, OMIM 618504.
ALKBH8-related disorder. Also called: ALKBH8-related condition.

Allele frequency attached by ClinVar (database versions not stated): 1000 Genomes Project 30x 0.70612; 1000 Genomes Project 0.71146; TOPMed 0.73684; gnomAD 0.76333 and 0.76627; ESP Exome Variant Server 0.77617; gnomAD exomes 0.79845 and 0.84718; ExAC 0.82466.
gnomAD v4.1: 1,298,179 of 1,548,344 alleles (84%); highest among the groups gnomAD compares: Non-Finnish European, 87%; 549,300 homozygotes.

Submissions (4):

Blueprint Genetics
Classification: Benign. Last evaluated: 2024-11-27. Review status: criteria provided, single submitter. Criteria: ACMG Guidelines, 2015. Collection method: clinical testing. Allele origin: germline.

Genome-Nilou Lab
Classification: Benign for Intellectual developmental disorder, autosomal recessive 71. Last evaluated: 2021-07-14. Review status: criteria provided, single submitter. Criteria: ACMG Guidelines, 2015. Collection method: clinical testing. Allele origin: germline. Affected: no.

Breakthrough Genomics
Classification: Benign. Review status: criteria provided, single submitter. Criteria: ACMG Guidelines, 2015. Collection method: not provided. Allele origin: germline. Inheritance: Autosomal recessive inheritance. Affected: yes.

PreventionGenetics, part of Exact Sciences
Classification: Benign for ALKBH8-related condition. Last evaluated: 2019-10-30. Review status: no assertion criteria provided. Collection method: clinical testing. Allele origin: germline. Not counted in ClinVar's aggregate classification.
Comment: This variant is classified as benign based on ACMG/AMP sequence variant interpretation guidelines (Richards et al. 2015 PMID: 25741868, with internal and published modifications).